The following is an entry in ClinVar:

ClinVar aggregate classification (germline): Likely benign (1 of 4 stars; one submission).

Submission:

CeGaT Center for Human Genetics Tuebingen
Classification: Likely benign. Last evaluated: 2023-02-01. Review status: criteria provided, single submitter. Criteria: CeGaT Center For Human Genetics Tuebingen Variant Classification Criteria Version 2. Collection method: clinical testing. Allele origin: germline. Affected: yes. Observed: 1 variant allele.
Comment: MUC19: BP4, BP7

NC_000012.12:g.40486513G>T

Gene: MUC19 (mucin 19, oligomeric (gene/pseudogene); plus strand). Cytogenetic location: 12q12.
Variant type: single nucleotide variant.
Genome position: GRCh38 VCF-style: chr12-40486513-G-T. GRCh37 (hg19) VCF-style: chr12-40880315-G-T.
Identifiers: ClinVar variation 2642873 (VCV002642873.24), dbSNP rs990443397, ClinGen allele CA235376637.
Genomic context (GRCh38, chr12:40,486,513, plus strand): 5'-TATAAATGGACTATCAGCAGGAGTGACAGGGACAACTGGACCATCAGCTGAAGAGACAGG[G>T]GCAACTGGACCATCAGCTGAAGTCACAGGGACAACTGGACCATCAGCTGAAGAGACAGGG-3'